The following is an entry in ClinVar:

ClinVar aggregate classification (germline): Pathogenic (1 of 4 stars; one submission).

Conditions:
DOCK2 deficiency. Also called: Immunodeficiency 40. Identifiers: Orphanet 447737, MedGen C4225328, MONDO:0014637, OMIM 616433.

Submission:

Labcorp Genetics (formerly Invitae), Labcorp
Classification: Pathogenic for DOCK2 deficiency. Last evaluated: 2022-10-21. Review status: criteria provided, single submitter. Criteria: Invitae Variant Classification Sherloc (09022015). Collection method: clinical testing. Allele origin: germline.
Comment: A gross deletion of the genomic region encompassing the full coding sequence of the DOCK2 gene has been identified. Loss-of-function variants in DOCK2 are known to be pathogenic (PMID: 26083206). The boundaries of this event are unknown as they extend beyond the assayed region for this gene and therefore may encompass additional genes. This variant has not been reported in the literature in individuals affected with DOCK2-related conditions. For these reasons, this variant has been classified as Pathogenic.

Literature cited by the submitters: PubMed 26083206.

NC_000005.9:g.(?_167849013)_(169661202_?)del

Genes: C5orf58 (chromosome 5 open reading frame 58; plus strand), DOCK2 (dedicator of cytokinesis 2; plus strand), FOXI1 (forkhead box I1; plus strand), INSYN2B (inhibitory synaptic factor family member 2B; minus strand), MIR103A1 (microRNA 103a-1; minus strand) and 5 more. Cytogenetic location: 5q34-35.1.
Variant type: Deletion.
Identifiers: ClinVar variation 2425244 (VCV002425244.3).